The following is an entry in ClinVar:

NC_000012.12:g.120978511A>G

Gene: HNF1A (HNF1 homeobox A; plus strand). Cytogenetic location: 12q24.31.
Variant type: single nucleotide variant.
Genome position: GRCh38 VCF-style: chr12-120978511-A-G. GRCh37 (hg19) VCF-style: chr12-121416314-A-G.
Other names: c.-258A>G (NM_000545.8).
Identifiers: ClinVar variation 1342947 (VCV001342947.28), dbSNP rs756136537, ClinGen allele CA244520152.

ClinVar aggregate classification (germline): Uncertain significance. Review status: reviewed by expert panel (3 of 4 stars). 4 submissions from 4 submitters: Uncertain significance (1). 3 of the submissions do not count toward it. Last evaluated 2024-01-18.

Conditions:
Monogenic diabetes. Identifiers: Orphanet 183625, MedGen C3888631, MONDO:0015967.
Hepatic adenomas, familial. Also called: HEPATIC ADENOMA, SOMATIC; LIVER CELL ADENOMAS, FAMILIAL. Identifiers: MedGen C1840646, MONDO:0007718, OMIM 142330.
Type 2 diabetes mellitus. Also called: Type II diabetes mellitus. Identifiers: MedGen C0011860, MeSH D003924, MONDO:0005148, OMIM 125853, HP:0005978.
Nonpapillary renal cell carcinoma. Identifiers: Orphanet 422526, MedGen CN074294, MONDO:0007763, OMIM 144700.
Diabetes mellitus type 1 (T1D). Also called: Type I diabetes mellitus; Diabetes Mellitus, Juvenile-Onset. Identifiers: MedGen C0011854, MONDO:0005147, OMIM 222100, HP:0100651.
Type 1 diabetes mellitus 20 (T1D20). Also called: Diabetes mellitus, insulin-dependent, 20. Identifiers: MedGen C2675866, MONDO:0012919, OMIM 612520.
Maturity-onset diabetes of the young type 3. Also called: MODY, type III; MODY type 3. Identifiers: Orphanet 552, MedGen C1838100, MeSH C563933, MONDO:0010894, OMIM 600496. Disease mechanism: loss of function.

Allele frequency attached by ClinVar (database versions not stated): TOPMed 0.00011; gnomAD 0.00015; gnomAD exomes 0.00016.

Submissions (4):

ClinGen Monogenic Diabetes Variant Curation Expert Panel
Classification: Uncertain significance for Monogenic diabetes. Last evaluated: 2024-01-18. Review status: reviewed by expert panel. Criteria: ClinGen Diabetes ACMG Specifications HNF1A V2.1.0. Collection method: curation. Allele origin: germline. Inheritance: Autosomal dominant inheritance.
Comment: The c.-258A>G variant in the HNF1 homeobox A gene, HNF1A, is located in the promoter of NM_000545.8. This variant is located in the promoter of NM_000545.8. This variant is located at the HNF1A binding site (c.-238 to c.-259) of HNF1A, which is defined as critical for the protein’s function by the ClinGen MDEP (PM1_Supporting). Additionally, this variant was identified in an individual with a clinical history highly specific for HNF1A-MODY (MODY probability calculator result >50%, negative genetic testing for HNF4A) (PP4; internal lab contributor). In summary, c.-258A>G meets the criteria to be classified as a variant of uncertain significance for monogenic diabetes. ACMG/AMP criteria applied, as specified by the ClinGen MDEP (specification version 2.1.0, approved 8/11/2023): PM1_Supporting, PP4.

Labcorp Genetics (formerly Invitae), Labcorp
Classification: Benign. Last evaluated: 2026-01-26. Review status: criteria provided, single submitter. Criteria: Invitae Variant Classification Sherloc (09022015). Collection method: clinical testing. Allele origin: germline. Not counted in ClinVar's aggregate classification.

CeGaT Center for Human Genetics Tuebingen
Classification: Uncertain significance. Last evaluated: 2024-04-01. Review status: criteria provided, single submitter. Criteria: CeGaT Center For Human Genetics Tuebingen Variant Classification Criteria Version 2. Collection method: clinical testing. Allele origin: germline. Affected: yes. Observed: 1 variant allele. Not counted in ClinVar's aggregate classification.

Fulgent Genetics
Classification: Uncertain significance for Type 2 diabetes mellitus; Hepatic adenomas, familial; Nonpapillary renal cell carcinoma; Diabetes mellitus type 1; Maturity-onset diabetes of the young type 3; Type 1 diabetes mellitus 20. Last evaluated: 2022-01-04. Review status: criteria provided, single submitter. Criteria: ACMG Guidelines, 2015. Collection method: clinical testing. Allele origin: unknown. Not counted in ClinVar's aggregate classification.